The following is an entry in ClinVar:

ClinVar aggregate classification (germline): Conflicting classifications of pathogenicity. Review status: criteria provided, conflicting classifications (1 of 4 stars). 12 submissions from 12 submitters: Uncertain significance (8); Likely benign (1). 3 of the submissions do not count toward it. Last evaluated 2026-01-05.

Conditions:
Cardiovascular phenotype. Identifiers: MedGen CN230736.
Desmin-related myofibrillar myopathy (MFM1). Also called: Desminopathy; Desmin storage myopathy (former name); MYOFIBRILLAR MYOPATHY WITH ARRHYTHMOGENIC RIGHT VENTRICULAR CARDIOMYOPATHY; DESMIN-RELATED MYOPATHY WITH ARRHYTHMOGENIC RIGHT VENTRICULAR CARDIOMYOPATHY; Myofibrillar myopathy 1; Desmin related myopathy (former name). Identifiers: Orphanet 363543, Orphanet 98909, MedGen C1832370, MONDO:0011076, OMIM 601419.

Allele frequency attached by ClinVar (database versions not stated): TOPMed 0.00007; gnomAD 0.00009; gnomAD exomes 0.00010; ExAC 0.00012; ESP Exome Variant Server 0.00024.
gnomAD v4.1: 156 of 1,564,974 alleles (0.01%); highest among the groups gnomAD compares: Middle Eastern, 0.017%; 1 homozygote.

Submissions (12):

Labcorp Genetics (formerly Invitae), Labcorp
Classification: Uncertain significance for Desmin-related myofibrillar myopathy. Last evaluated: 2026-01-05. Review status: criteria provided, single submitter. Criteria: Invitae Variant Classification Sherloc (09022015). Collection method: clinical testing. Allele origin: germline.
Comment: This sequence change replaces glycine, which is neutral and non-polar, with serine, which is neutral and polar, at codon 84 of the DES protein (p.Gly84Ser). This variant is present in population databases (rs200545412, gnomAD 0.02%). This missense change has been observed in individual(s) with dilated cardiomyopathy and/or hypertrophic cardiomyopathy (PMID: 35626289, 37652022). ClinVar contains an entry for this variant (Variation ID: 163024). Invitae Evidence Modeling of protein sequence and biophysical properties (such as structural, functional, and spatial information, amino acid conservation, physicochemical variation, residue mobility, and thermodynamic stability) indicates that this missense variant is not expected to disrupt DES protein function with a negative predictive value of 80%. Algorithms developed to predict the effect of sequence changes on RNA splicing suggest that this variant may create or strengthen a splice site. In summary, the available evidence is currently insufficient to determine the role of this variant in disease. Therefore, it has been classified as a Variant of Uncertain Significance.

Revvity Omics, Revvity
Classification: Uncertain significance. Last evaluated: 2025-06-20. Review status: criteria provided, single submitter. Criteria: ACMG Guidelines, 2015. Collection method: clinical testing. Allele origin: germline.

Ambry Genetics
Classification: Uncertain significance for Cardiovascular phenotype. Last evaluated: 2024-11-12. Review status: criteria provided, single submitter. Criteria: Ambry Variant Classification Scheme 2023. Collection method: clinical testing. Allele origin: germline.
Comment: The p.G84S variant (also known as c.250G>A), located in coding exon 1 of the DES gene, results from a G to A substitution at nucleotide position 250. The glycine at codon 84 is replaced by serine, an amino acid with similar properties. This variant was reported in individuals in cardiomyopathy cohorts, including hypertrophic, dilated, and arrhythmogenic cardiomyopathy cohorts; however, clinical details were limited, and additional cardiac variants were detected in some cases (Arbustini E et al. J Am Coll Cardiol, 2016 08;68:949-66; van Lint FHM et al. Neth Heart J, 2019 Jun;27:304-309; Sepp R et al. Diagnostics (Basel), 2022 May;12:[ePub ahead of print]; Bueno Marinas M et al. Int J Mol Sci, 2024 Jun;25:[ePub ahead of print]). This amino acid position is well conserved in available vertebrate species. In addition, this alteration is predicted to be tolerated by in silico analysis. Based on the available evidence, the clinical significance of this variant remains unclear.

Blueprint Genetics
Classification: Uncertain significance. Last evaluated: 2024-11-04. Review status: criteria provided, single submitter. Criteria: ACMG Guidelines, 2015. Collection method: clinical testing. Allele origin: germline.

CeGaT Center for Human Genetics Tuebingen
Classification: Uncertain significance. Last evaluated: 2024-02-01. Review status: criteria provided, single submitter. Criteria: CeGaT Center For Human Genetics Tuebingen Variant Classification Criteria Version 2. Collection method: clinical testing. Allele origin: germline. Affected: yes. Observed: 2 variant alleles.

Women's Health and Genetics/Laboratory Corporation of America, LabCorp
Classification: Likely benign. Last evaluated: 2023-05-23. Review status: criteria provided, single submitter. Criteria: LabCorp Variant Classification Summary - May 2015. Collection method: clinical testing. Allele origin: germline.
Comment: Variant summary: DES c.250G>A (p.Gly84Ser) results in a non-conservative amino acid change located in the Intermediate filament head, DNA-binding domain (IPR006821) of the encoded protein sequence. Three of five in-silico tools predict a damaging effect of the variant on protein function. The variant allele was found at a frequency of 9.9e-05 in 171168 control chromosomes (gnomAD). The observed variant frequency is approximately 4 fold of the estimated maximal expected allele frequency for a pathogenic variant in DES causing Cardiomyopathy phenotype (2.5e-05), strongly suggesting that the variant is benign. c.250G>A has been reported in the literature in an individual from a Cardiomyopathy cohort, however authors classified the variant as VUS (example: Sepp_2022). These report(s) do not provide unequivocal conclusions about association of the variant with Cardiomyopathy. To our knowledge, no experimental evidence demonstrating an impact on protein function has been reported. The following publication has been ascertained in the context of this evaluation (PMID: 35626289). Six clinical diagnostic laboratories have submitted clinical-significance assessments for this variant to ClinVar after 2014 and all classified the variant as uncertain significance. Based on the evidence outlined above, the variant was classified as likely benign.

GeneDx
Classification: Uncertain significance. Last evaluated: 2017-12-15. Review status: criteria provided, single submitter. Criteria: GeneDx Variant Classification (06012015). Collection method: clinical testing. Allele origin: germline. Affected: yes.
Comment: The Gly84Ser variant in the DES gene has not been reported as a disease-causing mutation or as a benign polymorphism to our knowledge. Gly84Ser results in a non-conservative amino acid substitution of a non-polar Glycine residue with a polar Serine residue at a position that is not conserved across species. The Gly84Ser variant was not observed with any significant frequency in approximately 6,400 individuals of European and African American ancestry in the NHLBI Exome Sequencing Project. With the clinical and molecular information available at this time, we cannot definitively determine if Gly84Ser is a disease-causing mutation or a rare benign variant.

Eurofins Ntd Llc (ga)
Classification: Uncertain significance. Last evaluated: 2017-11-02. Review status: criteria provided, single submitter. Criteria: EGL Classification Definitions 2015. Collection method: clinical testing. Allele origin: germline. Observed: 4 variant alleles, 4 heterozygotes.

Laboratory for Molecular Medicine, Mass General Brigham Personalized Medicine
Classification: Uncertain significance. Last evaluated: 2013-12-26. Review status: criteria provided, single submitter. Criteria: LMM Criteria. Collection method: clinical testing. Allele origin: germline. Observed: 1 variant allele.
Comment: Variant classified as Uncertain Significance - Favor Benign. The Gly84Ser varian t in DES has not been previously reported in individuals with cardiomyopathy, bu t has been identified in 3/8434 European American chromosomes by the NHLBI Exome Sequencing Project (dbSNP rs200545412). Glyc ine (Gly) at position 84 is not well conserved, with two mammals (dog and eleph ant) having this variant (Ser) at this position, which suggests that it is likel y tolerated. Computational analyses (amino acid biochemical properties, SIFT, Po lyPhen-2, AlignGVGD) do not provide strong support for or against an impact to t he protein. In summary, the clinical significance of this variant cannot be dete rmined with certainty.

Clinical Genetics DNA and cytogenetics Diagnostics Lab, Erasmus MC, Erasmus Medical Center
Classification: Uncertain significance. Review status: no assertion criteria provided. Collection method: clinical testing. Allele origin: germline. Affected: yes. Study: VKGL Data-share Consensus. Not counted in ClinVar's aggregate classification.

Clinical Genetics, Academic Medical Center
Classification: Uncertain significance. Review status: no assertion criteria provided. Collection method: clinical testing. Allele origin: germline. Affected: yes. Study: VKGL Data-share Consensus. Not counted in ClinVar's aggregate classification.

Diagnostic Laboratory, Department of Genetics, University Medical Center Groningen
Classification: Uncertain significance. Review status: no assertion criteria provided. Collection method: clinical testing. Allele origin: germline. Affected: yes. Study: VKGL Data-share Consensus. Not counted in ClinVar's aggregate classification.

Literature cited by the submitters: PubMed 35626289 (cited by 3 submitters); PubMed 37652022 (cited by Labcorp Genetics (formerly Invitae), Labcorp); PubMed 27561770 (cited by Ambry Genetics); PubMed 30847666 (cited by Ambry Genetics); PubMed 38892455 (cited by Ambry Genetics).

NM_001927.4(DES):c.250G>A (p.Gly84Ser)

Gene: DES (desmin; plus strand). Cytogenetic location: 2q35.
Variant type: single nucleotide variant.
Coding change: c.250G>A on transcript NM_001927.4 (MANE Select); coding-DNA position 250, G replaced by A.
Protein change: p.Gly84Ser; replaces glycine 84 with serine.
Molecular consequence: missense variant.
Genome position (GRCh38, 1-based): chr2:219,418,712, G>A. VCF-style: chr2-219418712-G-A. GRCh37 (hg19) VCF-style: chr2-220283434-G-A.
Other names: p.G84S:GGC>AGC; short protein forms G84S.
Identifiers: ClinVar variation 163024 (VCV000163024.70), dbSNP rs200545412, ClinGen allele CA175620.